The following is an entry in ClinVar:

NM_001278512.2(AP3B2):c.152A>G (p.Asp51Gly)

Genes: AP3B2 (adaptor related protein complex 3 subunit beta 2; minus strand), CPEB1-AS1 (CPEB1 antisense RNA 1; plus strand). Cytogenetic location: 15q25.2.
Variant type: single nucleotide variant.
Coding change: c.152A>G on transcript NM_001278512.2 (MANE Select); coding-DNA position 152, A replaced by G.
Protein change: p.Asp51Gly; replaces aspartic acid 51 with glycine.
Molecular consequence: missense variant.
Genome position (GRCh38, 1-based): chr15:82,689,415, T>C on the plus strand (A>G on the coding strand, the complement: AP3B2 is on the minus strand). VCF-style: chr15-82689415-T-C. GRCh37 (hg19) VCF-style: chr15-83358167-T-C.
Other names: c.152A>G, p.Asp51Gly (NM_001348440.2, NM_004644.5, NM_001278511.2); short protein forms D51G.
Identifiers: ClinVar variation 1358698 (VCV001358698.8), dbSNP rs2048486165, ClinGen allele CA393302204.

ClinVar aggregate classification (germline): Uncertain significance (1 of 4 stars; one submission).

Allele frequency attached by ClinVar (database versions not stated): gnomAD exomes below 0.00001.
gnomAD v4.1: 1 of 1,613,882 alleles (0.000062%); highest among the groups gnomAD compares: Non-Finnish European, 0.000085%; no homozygotes.

Submission:

Labcorp Genetics (formerly Invitae), Labcorp
Classification: Uncertain significance. Last evaluated: 2024-02-05. Review status: criteria provided, single submitter. Criteria: Invitae Variant Classification Sherloc (09022015). Collection method: clinical testing. Allele origin: germline.
Comment: This sequence change replaces aspartic acid, which is acidic and polar, with glycine, which is neutral and non-polar, at codon 51 of the AP3B2 protein (p.Asp51Gly). This variant is not present in population databases (gnomAD no frequency). This variant has not been reported in the literature in individuals affected with AP3B2-related conditions. ClinVar contains an entry for this variant (Variation ID: 1358698). An algorithm developed to predict the effect of missense changes on protein structure and function (PolyPhen-2) suggests that this variant is likely to be disruptive. In summary, the available evidence is currently insufficient to determine the role of this variant in disease. Therefore, it has been classified as a Variant of Uncertain Significance.